The following is an entry in ClinVar:

ClinVar aggregate classification (germline): Pathogenic (1 of 4 stars; one submission).

Submission:

Labcorp Genetics (formerly Invitae), Labcorp
Classification: Pathogenic. Last evaluated: 2025-06-15. Review status: criteria provided, single submitter. Criteria: Invitae Variant Classification Sherloc (09022015). Collection method: clinical testing. Allele origin: germline.
Comment: This sequence change replaces glycine, which is neutral and non-polar, with aspartic acid, which is acidic and polar, at codon 53 of the TYR protein (p.Gly53Asp). This variant is not present in population databases (gnomAD no frequency). This missense change has been observed in individual(s) with oculocutaneous albinism (PMID: 34838614). Invitae Evidence Modeling of protein sequence and biophysical properties (such as structural, functional, and spatial information, amino acid conservation, physicochemical variation, residue mobility, and thermodynamic stability) indicates that this missense variant is expected to disrupt TYR protein function with a positive predictive value of 95%. This variant disrupts the p.Gly53 amino acid residue in TYR. Other variant(s) that disrupt this residue have been determined to be pathogenic (PMID: 31229681). This suggests that this residue is clinically significant, and that variants that disrupt this residue are likely to be disease-causing. For these reasons, this variant has been classified as Pathogenic.

Literature cited by the submitters: PubMed 34838614; PubMed 31229681.

NM_000372.5(TYR):c.158G>A (p.Gly53Asp)

Gene: TYR (tyrosinase; plus strand). Cytogenetic location: 11q14.3.
Variant type: single nucleotide variant.
Coding change: c.158G>A on transcript NM_000372.5 (MANE Select); coding-DNA position 158, G replaced by A.
Protein change: p.Gly53Asp; replaces glycine 53 with aspartic acid.
Molecular consequence: missense variant.
Genome position (GRCh38, 1-based): chr11:89,178,111, G>A. VCF-style: chr11-89178111-G-A. GRCh37 (hg19) VCF-style: chr11-88911279-G-A.
Other names: short protein forms G53D.
Identifiers: ClinVar variation 4805667 (VCV004805667.1).